The following is an entry in ClinVar:

NM_182931.3(KMT2E):c.4637C>T (p.Pro1546Leu)

Gene: KMT2E (lysine methyltransferase 2E (inactive); plus strand). Cytogenetic location: 7q22.3.
Variant type: single nucleotide variant.
Coding change: c.4637C>T on transcript NM_182931.3 (MANE Select); coding-DNA position 4637, C replaced by T.
Protein change: p.Pro1546Leu; replaces proline 1546 with leucine.
Molecular consequence: missense variant.
Genome position (GRCh38, 1-based): chr7:105,112,393, C>T. VCF-style: chr7-105112393-C-T. GRCh37 (hg19) VCF-style: chr7-104752840-C-T.
Other names: c.4511C>T, p.Pro1504Leu (NM_001410908.1); c.4637C>T, p.Pro1546Leu (NM_018682.4); short protein forms P1504L, P1546L.
Identifiers: ClinVar variation 2778048 (VCV002778048.3), dbSNP rs759028371, ClinGen allele CA164024121.
Genomic context (GRCh38, chr7:105,112,393, plus strand): 5'-AATCTTCAGCAACATACAGTCAGTTTAACCAACAAAGTCTGAACAGCACGGCACCACCCC[C>T]TCCACCTCCTCCACCTCCTTCTTCGTCTTACTATCAAAACCAGCAGCCCTCTGCAAACTT-3'
Protein context (NP_891847.1, residues 1536-1556): QQSLNSTAPP[Pro1546Leu]PPPPPPSSSY

ClinVar aggregate classification (germline): Uncertain significance (1 of 4 stars; one submission).

Allele frequency attached by ClinVar (database versions not stated): gnomAD 0.00001; TOPMed 0.00001.
gnomAD v4.1: 14 of 1,612,418 alleles (0.00087%); highest among the groups gnomAD compares: Non-Finnish European, 0.0012%; no homozygotes.

Submission:

Labcorp Genetics (formerly Invitae), Labcorp
Classification: Uncertain significance. Last evaluated: 2022-12-13. Review status: criteria provided, single submitter. Criteria: Invitae Variant Classification Sherloc (09022015). Collection method: clinical testing. Allele origin: germline.
Comment: This variant is present in population databases (rs759028371, gnomAD 0.002%). In summary, the available evidence is currently insufficient to determine the role of this variant in disease. Therefore, it has been classified as a Variant of Uncertain Significance. Algorithms developed to predict the effect of missense changes on protein structure and function are either unavailable or do not agree on the potential impact of this missense change (SIFT: "Deleterious"; PolyPhen-2: "Possibly Damaging"; Align-GVGD: "Class C0"). This variant has not been reported in the literature in individuals affected with KMT2E-related conditions. This sequence change replaces proline, which is neutral and non-polar, with leucine, which is neutral and non-polar, at codon 1546 of the KMT2E protein (p.Pro1546Leu).